The following is an entry in ClinVar:

ClinVar aggregate classification (germline): Benign/Likely benign. Review status: criteria provided, multiple submitters, no conflicts (2 of 4 stars). 4 submissions from 4 submitters: Benign (2); Likely benign (1). 1 of the submissions does not count toward it. Last evaluated 2025-12-20.

Conditions:
GREB1L-related disorder. Also called: GREB1L-related condition.

Allele frequency attached by ClinVar (database versions not stated): gnomAD exomes 0.00017 and 0.00041; ExAC 0.00065; ESP Exome Variant Server 0.00110; 1000 Genomes Project 0.00140; 1000 Genomes Project 30x 0.00156; gnomAD 0.00199 and 0.00214; TOPMed 0.00221.
gnomAD v4.1: 553 of 1,552,228 alleles (0.036%); highest among the groups gnomAD compares: African/African-American, 0.68%; 1 homozygote.

Submissions (4):

Labcorp Genetics (formerly Invitae), Labcorp
Classification: Benign. Last evaluated: 2025-12-20. Review status: criteria provided, single submitter. Criteria: Invitae Variant Classification Sherloc (09022015). Collection method: clinical testing. Allele origin: germline.

Blueprint Genetics
Classification: Likely benign. Last evaluated: 2024-07-19. Review status: criteria provided, single submitter. Criteria: ACMG Guidelines, 2015. Collection method: clinical testing. Allele origin: germline.

Breakthrough Genomics
Classification: Benign. Review status: criteria provided, single submitter. Criteria: ACMG Guidelines, 2015. Collection method: not provided. Allele origin: germline. Inheritance: Autosomal dominant inheritance. Affected: yes.

PreventionGenetics, part of Exact Sciences
Classification: Benign for GREB1L-related condition. Last evaluated: 2019-11-26. Review status: no assertion criteria provided. Collection method: clinical testing. Allele origin: germline. Not counted in ClinVar's aggregate classification.
Comment: This variant is classified as benign based on ACMG/AMP sequence variant interpretation guidelines (Richards et al. 2015 PMID: 25741868, with internal and published modifications).

NM_001142966.3(GREB1L):c.1330G>A (p.Gly444Ser)

Genes: GREB1L (GREB1 like retinoic acid receptor coactivator; plus strand), GREB1L-AS1 (GREB1L antisense RNA 1; minus strand). Cytogenetic location: 18q11.1.
Variant type: single nucleotide variant.
Coding change: c.1330G>A on transcript NM_001142966.3 (MANE Select); coding-DNA position 1330, G replaced by A.
Protein change: p.Gly444Ser; replaces glycine 444 with serine.
Molecular consequence: missense variant.
Genome position (GRCh38, 1-based): chr18:21,444,346, G>A. VCF-style: chr18-21444346-G-A. GRCh37 (hg19) VCF-style: chr18-19024307-G-A.
Other names: c.1330G>A (NM_001142966.1); short protein forms G444S.
Identifiers: ClinVar variation 1564057 (VCV001564057.12), dbSNP rs371826632, ClinGen allele CA8906394.